The following is an entry in ClinVar:

NM_001374504.1(TMPRSS6):c.243C>A (p.Gly81=)

Gene: TMPRSS6 (transmembrane serine protease 6; minus strand). Cytogenetic location: 22q12.3.
Variant type: single nucleotide variant.
Coding change: c.243C>A on transcript NM_001374504.1 (MANE Select); coding-DNA position 243, C replaced by A.
Protein change: p.Gly81=; no amino-acid change (glycine 81 retained).
Molecular consequence: synonymous variant.
Genome position (GRCh38, 1-based): chr22:37,098,509, G>T on the plus strand (C>A on the coding strand, the complement: TMPRSS6 is on the minus strand). VCF-style: chr22-37098509-G-T. GRCh37 (hg19) VCF-style: chr22-37494549-G-T.
Other names: p.Gly90=; c.270C>A (NM_153609.3); c.243C>A, p.Gly81= (NM_001289000.2, NM_001289001.2, NM_153609.4).
Identifiers: ClinVar variation 341603 (VCV000341603.13), dbSNP rs147397866, ClinGen allele CA10216145.

ClinVar aggregate classification (germline): Conflicting classifications of pathogenicity. Review status: criteria provided, conflicting classifications (1 of 4 stars). 5 submissions from 5 submitters: Uncertain significance (1); Likely benign (3). 1 of the submissions does not count toward it. Last evaluated 2025-12-10.

Conditions:
TMPRSS6-related disorder. Also called: TMPRSS6-related condition.
Microcytic anemia. Identifiers: MedGen C5194182, MONDO:0001245, HP:0001935. Disease mechanism: loss of function.

Allele frequency attached by ClinVar (database versions not stated): 1000 Genomes Project 30x 0.00016; gnomAD exomes 0.00028 and 0.00046; ExAC 0.00030; gnomAD 0.00042 and 0.00045; TOPMed 0.00043; ESP Exome Variant Server 0.00046.
gnomAD v4.1: 724 of 1,614,122 alleles (0.045%); highest among the groups gnomAD compares: Non-Finnish European, 0.059%; no homozygotes.

Submissions (5):

Labcorp Genetics (formerly Invitae), Labcorp
Classification: Likely benign. Last evaluated: 2025-12-10. Review status: criteria provided, single submitter. Criteria: Invitae Variant Classification Sherloc (09022015). Collection method: clinical testing. Allele origin: germline.

Mayo Clinic Laboratories, Mayo Clinic
Classification: Likely benign. Last evaluated: 2025-03-19. Review status: criteria provided, single submitter. Criteria: ACMG Guidelines, 2015. Collection method: clinical testing. Allele origin: germline. Observed: 1 variant allele.
Comment: BP4, BP7

Blueprint Genetics
Classification: Likely benign. Last evaluated: 2024-11-19. Review status: criteria provided, single submitter. Criteria: ACMG Guidelines, 2015. Collection method: clinical testing. Allele origin: germline.

Illumina Laboratory Services, Illumina
Classification: Uncertain significance for Iron-refractory iron deficiency anemia. Last evaluated: 2018-01-13. Review status: criteria provided, single submitter. Criteria: ICSL Variant Classification Criteria 13 December 2019. Collection method: clinical testing. Allele origin: germline.

PreventionGenetics, part of Exact Sciences
Classification: Likely benign for TMPRSS6-related condition. Last evaluated: 2019-07-15. Review status: no assertion criteria provided. Collection method: clinical testing. Allele origin: germline. Not counted in ClinVar's aggregate classification.
Comment: This variant is classified as likely benign based on ACMG/AMP sequence variant interpretation guidelines (Richards et al. 2015 PMID: 25741868, with internal and published modifications).